The following is an entry in ClinVar:

NM_007118.4(TRIO):c.2480G>A (p.Arg827His)

Gene: TRIO (trio Rho guanine nucleotide exchange factor; plus strand). Cytogenetic location: 5p15.2.
Variant type: single nucleotide variant.
Coding change: c.2480G>A on transcript NM_007118.4 (MANE Select); coding-DNA position 2480, G replaced by A.
Protein change: p.Arg827His; replaces arginine 827 with histidine.
Molecular consequence: missense variant. On other transcripts: non-coding transcript variant (1).
Genome position (GRCh38, 1-based): chr5:14,363,820, G>A. VCF-style: chr5-14363820-G-A. GRCh37 (hg19) VCF-style: chr5-14363929-G-A.
Other names: c.2480G>A (NM_007118.2); short protein forms R827H.
Identifiers: ClinVar variation 716192 (VCV000716192.6), dbSNP rs370634993, ClinGen allele CA3205923.

ClinVar aggregate classification (germline): Conflicting classifications of pathogenicity. Review status: criteria provided, conflicting classifications (1 of 4 stars). 3 submissions from 3 submitters: Uncertain significance (1); Benign (1); Likely benign (1). Last evaluated 2025-09-03.

Conditions:
TRIO-related disorder. Also called: TRIO-related disorders; TRIO-related condition.
Inborn genetic diseases. Identifiers: MedGen C0950123, MeSH D030342.

Allele frequency attached by ClinVar (database versions not stated): gnomAD 0.00012 and 0.00011; gnomAD exomes 0.00012 and 0.00014; TOPMed 0.00012; ESP Exome Variant Server 0.00023; ExAC 0.00012.
gnomAD v4.1: 226 of 1,614,018 alleles (0.014%); highest among the groups gnomAD compares: Non-Finnish European, 0.018%; no homozygotes.

Submissions (3):

PreventionGenetics, part of Exact Sciences
Classification: Uncertain significance for TRIO-related condition. Last evaluated: 2025-09-03. Review status: criteria provided, single submitter. Criteria: ACMG Guidelines, 2015. Collection method: clinical testing. Allele origin: germline.
Comment: The TRIO c.2480G>A variant is predicted to result in the amino acid substitution p.Arg827His. To our knowledge, this variant has not been reported in the literature. Another variant affecting the same amino acid has been reported in an individual with neurodevelopmental disorder (c.2479C>T (p.Arg827Cys); Table S11, Stessman et al. 2017. PubMed ID: 28191889; Supplementary Data 5, Wang et al. 2020. PubMed ID: 33004838). This variant is reported in 0.028% of alleles in individuals of European (Non-Finnish) descent in gnomAD. Although we suspect that this variant may be benign, at this time, the clinical significance of this variant is uncertain due to the absence of conclusive functional and genetic evidence.

Ambry Genetics
Classification: Likely benign for Inborn genetic diseases. Last evaluated: 2021-12-14. Review status: criteria provided, single submitter. Criteria: Ambry Variant Classification Scheme 2023. Collection method: clinical testing. Allele origin: germline.

Labcorp Genetics (formerly Invitae), Labcorp
Classification: Benign. Last evaluated: 2017-09-17. Review status: criteria provided, single submitter. Criteria: Invitae Variant Classification Sherloc (09022015). Collection method: clinical testing. Allele origin: germline.